The following is an entry in ClinVar:

NM_024422.6(DSC2):c.1264-1G>A

Gene: DSC2 (desmocollin 2; minus strand). Cytogenetic location: 18q12.1.
Variant type: single nucleotide variant.
Coding change: c.1264-1G>A on transcript NM_024422.6 (MANE Select); the canonical splice acceptor site of the intron before coding-DNA position 1264, G replaced by A.
Molecular consequence: splice acceptor variant.
Genome position (GRCh38, 1-based): chr18:31,080,353, C>T on the plus strand (G>A on the coding strand, the complement: DSC2 is on the minus strand). VCF-style: chr18-31080353-C-T. GRCh37 (hg19) VCF-style: chr18-28660319-C-T.
Other names: c.1264-1G>A (NM_004949.5); c.835-1G>A (NM_001406506.1, NM_001406507.1).
Identifiers: ClinVar variation 1499020 (VCV001499020.8), dbSNP rs2144814453, ClinGen allele CA402109075.

ClinVar aggregate classification (germline): Likely pathogenic (1 of 4 stars; one submission).

Conditions:
Arrhythmogenic right ventricular dysplasia 11. Also called: Arrhythmogenic right ventricular dysplasia 11 with mild palmoplantar keratoderma and woolly hair; Arrhythmogenic Right Ventricular Dysplasia/Cardiomyopathy11; ARRHYTHMOGENIC RIGHT VENTRICULAR DYSPLASIA, FAMILIAL, 11. Identifiers: MedGen C1864850, MONDO:0012506, OMIM 610476.

Allele frequency attached by ClinVar (database versions not stated): gnomAD exomes below 0.00001.

Submission:

Labcorp Genetics (formerly Invitae), Labcorp
Classification: Likely pathogenic for Arrhythmogenic right ventricular dysplasia 11. Last evaluated: 2020-12-28. Review status: criteria provided, single submitter. Criteria: Invitae Variant Classification Sherloc (09022015). Collection method: clinical testing. Allele origin: germline.
Comment: In summary, the currently available evidence indicates that the variant is pathogenic, but additional data are needed to prove that conclusively. Therefore, this variant has been classified as Likely Pathogenic. Algorithms developed to predict the effect of sequence changes on RNA splicing suggest that this variant may disrupt the consensus splice site, but this prediction has not been confirmed by published transcriptional studies. This variant has not been reported in the literature in individuals with DSC2-related conditions. This variant is not present in population databases (ExAC no frequency). This sequence change affects an acceptor splice site in intron 9 of the DSC2 gene. It is expected to disrupt RNA splicing. Variants that disrupt the donor or acceptor splice site typically lead to a loss of protein function (PMID: 16199547), and loss-of-function variants in DSC2 are known to be pathogenic (PMID: 23911551).

Literature cited by the submitters: PubMed 16199547; PubMed 23911551.